The following is an entry in ClinVar:

NM_000516.7(GNAS):c.231G>T (p.Pro77=)

Gene: GNAS (GNAS complex locus; plus strand). Cytogenetic location: 20q13.32.
Variant type: single nucleotide variant.
Coding change: c.231G>T on transcript NM_000516.7 (MANE Select); coding-DNA position 231, G replaced by T.
Protein change: p.Pro77=; no amino-acid change (proline 77 retained).
Molecular consequence: synonymous variant. On other transcripts: 3 prime UTR variant (3), non-coding transcript variant (2), intron variant (3).
Genome position (GRCh38, 1-based): chr20:58,898,959, G>T. VCF-style: chr20-58898959-G-T. GRCh37 (hg19) VCF-style: chr20-57474014-G-T.
Other names: c.231G>T, p.Pro77= (NM_001077488.5, NM_001309842.2); c.*92G>T (NM_001077490.3); c.54G>T, p.Pro18= (NM_001309840.2, NM_001309861.2); c.*250G>T (NM_001309883.1); c.135G>T, p.Pro45= (NM_001410912.1); c.*134G>T (NM_016592.5); c.2160G>T, p.Pro720= (NM_080425.4); c.2141+3275G>T (NM_001410913.1); and 1 more.
Identifiers: ClinVar variation 3046907 (VCV003046907.2), dbSNP rs756233440, ClinGen allele CA511082946.
Genomic context (GRCh38, chr20:58,898,959, plus strand): 5'-GTGCCTTGCAGATTAGGTGAGCTTTCAATCTCTCTTTAAAAGGGGCGGCGAAGAGGACCC[G>T]CAGGCTGCAAGGAGCAACAGCGATGGGTAGGCACATTCAAAACCAGAAAAAATTGTTAAC-3'
Protein context (NP_000507.1, residues 67-87): GFNGEGGEED[Pro77=]QAARSNSDGE

ClinVar aggregate classification (germline): Likely benign (0 of 4 stars; one submission).

Conditions:
GNAS-related disorder. Identifiers: MedGen CN380105.

gnomAD v4.1: 5 of 1,613,766 alleles (0.00031%); highest among the groups gnomAD compares: Non-Finnish European, 0.00034%; no homozygotes.

Submission:

PreventionGenetics, part of Exact Sciences
Classification: Likely benign for GNAS-related condition. Last evaluated: 2022-06-03. Review status: no assertion criteria provided. Collection method: clinical testing. Allele origin: germline.
Comment: This variant is classified as likely benign based on ACMG/AMP sequence variant interpretation guidelines (Richards et al. 2015 PMID: 25741868, with internal and published modifications).